The following is an entry in ClinVar:

ClinVar aggregate classification (germline): Uncertain significance. Review status: criteria provided, multiple submitters, no conflicts (2 of 4 stars). 2 submissions from 2 submitters: Uncertain significance (2). Last evaluated 2025-05-16.

Conditions:
Inborn genetic diseases. Identifiers: MedGen C0950123, MeSH D030342.
MHC class I deficiency. Identifiers: Orphanet 34592, MedGen C6024714, MONDO:0011476.

Allele frequency attached by ClinVar (database versions not stated): gnomAD 0.00037 and 0.00035; 1000 Genomes Project 0.00040; ESP Exome Variant Server 0.00024; TOPMed 0.00037; gnomAD exomes 0.00003 and 0.00008; ExAC 0.00011; 1000 Genomes Project 30x 0.00031.
gnomAD v4.1: 98 of 1,613,038 alleles (0.0061%); highest among the groups gnomAD compares: African/African-American, 0.11%; no homozygotes.

Submissions (2):

Ambry Genetics
Classification: Uncertain significance for Inborn genetic diseases. Last evaluated: 2025-05-16. Review status: criteria provided, single submitter. Criteria: Ambry Variant Classification Scheme 2023. Collection method: clinical testing. Allele origin: germline.

Labcorp Genetics (formerly Invitae), Labcorp
Classification: Uncertain significance for MHC class I deficiency 1. Last evaluated: 2022-08-19. Review status: criteria provided, single submitter. Criteria: Invitae Variant Classification Sherloc (09022015). Collection method: clinical testing. Allele origin: germline.
Comment: This sequence change replaces aspartic acid, which is acidic and polar, with glycine, which is neutral and non-polar, at codon 256 of the TAP2 protein (p.Asp256Gly). This variant is present in population databases (rs140310179, gnomAD 0.1%). This variant has not been reported in the literature in individuals affected with TAP2-related conditions. ClinVar contains an entry for this variant (Variation ID: 1444705). Algorithms developed to predict the effect of missense changes on protein structure and function are either unavailable or do not agree on the potential impact of this missense change (SIFT: "Deleterious"; PolyPhen-2: "Not Available"; Align-GVGD: "Class C0"). Algorithms developed to predict the effect of sequence changes on RNA splicing suggest that this variant may create or strengthen a splice site. In summary, the available evidence is currently insufficient to determine the role of this variant in disease. Therefore, it has been classified as a Variant of Uncertain Significance.

NM_001290043.2(TAP2):c.767A>G (p.Asp256Gly)

Gene: TAP2 (transporter 2, ATP binding cassette subfamily B member; minus strand). Cytogenetic location: 6p21.32.
Variant type: single nucleotide variant.
Coding change: c.767A>G on transcript NM_001290043.2 (MANE Select); coding-DNA position 767, A replaced by G.
Protein change: p.Asp256Gly; replaces aspartic acid 256 with glycine.
Molecular consequence: missense variant.
Genome position (GRCh38, 1-based): chr6:32,835,332, T>C on the plus strand (A>G on the coding strand, the complement: TAP2 is on the minus strand). VCF-style: chr6-32835332-T-C. GRCh37 (hg19) VCF-style: chr6-32803109-T-C.
Other names: c.767A>G, p.Asp256Gly (NM_000544.3, NM_018833.3); short protein forms D256G.
Identifiers: ClinVar variation 1444705 (VCV001444705.7), dbSNP rs140310179, ClinGen allele CA3746059.